The following is an entry in ClinVar:

NM_000038.6(APC):c.1833T>C (p.Gly611=)

Gene: APC (APC regulator of Wnt signaling pathway; plus strand). Cytogenetic location: 5q22.2.
Variant type: single nucleotide variant.
Coding change: c.1833T>C on transcript NM_000038.6 (MANE Select); coding-DNA position 1833, T replaced by C.
Protein change: p.Gly611=; no amino-acid change (glycine 611 retained).
Molecular consequence: synonymous variant. On other transcripts: non-coding transcript variant (2).
Genome position (GRCh38, 1-based): chr5:112,835,040, T>C. VCF-style: chr5-112835040-T-C. GRCh37 (hg19) VCF-style: chr5-112170737-T-C.
Other names: c.1833T>C, p.Gly611= (NM_001127510.3, NM_001354895.2, NM_001407450.1); c.1779T>C, p.Gly593= (NM_001127511.3); c.1887T>C, p.Gly629= (NM_001354896.2, NM_001407447.1, NM_001407448.1 and 1 more transcripts); c.1863T>C, p.Gly621= (NM_001354897.2); c.1758T>C, p.Gly586= (NM_001354898.2); c.1749T>C, p.Gly583= (NM_001354899.2); c.1710T>C, p.Gly570= (NM_001354900.2); c.1656T>C, p.Gly552= (NM_001354901.2, NM_001407453.1); and 12 more.
Identifiers: ClinVar variation 1898668 (VCV001898668.7), dbSNP rs1022354979, ClinGen allele CA124982529.
Genomic context (GRCh38, chr5:112,835,040, plus strand): 5'-CTTATGGAATTTGTCAGCACATTGCACTGAGAATAAAGCTGATATATGTGCTGTAGATGG[T>C]GCACTTGCATTTTTGGTTGGCACTCTTACTTACCGGAGCCAGACAAACACTTTAGCCATT-3'
Protein context (NP_000029.2, residues 601-621): ENKADICAVD[Gly611=]ALAFLVGTLT

ClinVar aggregate classification (germline): Benign/Likely benign. Review status: criteria provided, multiple submitters, no conflicts (2 of 4 stars). 3 submissions from 3 submitters: Benign (1); Likely benign (2). Last evaluated 2026-02-23.

Conditions:
Hereditary cancer-predisposing syndrome. Also called: Tumor predisposition; Hereditary Cancer Syndrome; Hereditary neoplastic syndrome; Neoplastic Syndromes, Hereditary. Identifiers: Orphanet 140162, MedGen C0027672, MeSH D009386, MONDO:0015356.
Familial adenomatous polyposis 1 (FAP1). Also called: FAMILIAL ADENOMATOUS POLYPOSIS 1, ATTENUATED; POLYPOSIS, ADENOMATOUS INTESTINAL. Identifiers: MedGen C2713442, MONDO:0021056, OMIM 175100. Disease mechanism: loss of function.

Allele frequency attached by ClinVar (database versions not stated): TOPMed below 0.00001.

Submissions (3):

Ambry Genetics
Classification: Likely benign for Hereditary cancer-predisposing syndrome. Last evaluated: 2026-02-23. Review status: criteria provided, single submitter. Criteria: Ambry Variant Classification Scheme 2023. Collection method: clinical testing. Allele origin: germline.

Myriad Genetics, Inc.
Classification: Benign for Familial adenomatous polyposis 1. Last evaluated: 2024-03-07. Review status: criteria provided, single submitter. Criteria: Myriad Autosomal Dominant, Autosomal Recessive and X-Linked Classification Criteria (2023). Collection method: clinical testing. Allele origin: unknown.
Comment: This variant is considered benign. This variant is a silent/synonymous amino acid change and it is not expected to impact splicing.

Labcorp Genetics (formerly Invitae), Labcorp
Classification: Likely benign for Familial adenomatous polyposis 1. Last evaluated: 2023-02-14. Review status: criteria provided, single submitter. Criteria: Invitae Variant Classification Sherloc (09022015). Collection method: clinical testing. Allele origin: germline.